The following is an entry in ClinVar:

NM_001042492.3(NF1):c.2654del (p.Gly885fs)

Gene: NF1 (neurofibromin 1; plus strand). Cytogenetic location: 17q11.2.
Variant type: Deletion.
Coding change: c.2654del on transcript NM_001042492.3 (MANE Select); coding-DNA position 2654, one base deleted (G; older notation c.2654delG).
Protein change: p.Gly885fs; shifts the reading frame from glycine 885.
Molecular consequence: frameshift variant.
Genome position (GRCh38, 1-based): chr17:31,229,269, G deleted; the last of 3 consecutive G bases (chr17:31,229,267-31,229,269); deleting any one gives the same sequence. VCF-style (leftmost placement, unchanged base first): chr17-31229266-AG-A. GRCh37 (hg19) VCF-style: chr17-29556284-AG-A.
Other names: c.2654delG, p.Gly885Glufs (NM_000267.4); short protein forms G885fs.
Identifiers: ClinVar variation 1430539 (VCV001430539.6), dbSNP rs2151429364, ClinGen allele CA2573153309.

ClinVar aggregate classification (germline): Pathogenic (1 of 4 stars; one submission).

Conditions:
Neurofibromatosis, type 1 (NF1). Also called: VON RECKLINGHAUSEN DISEASE; NEUROFIBROMATOSIS, TYPE I, SOMATIC; Neurofibromatosis, type I; Peripheral type neurofibromatosis. Identifiers: Orphanet 636, MedGen C0027831, MONDO:0018975, OMIM 162200. Disease mechanism: loss of function.

Submission:

Labcorp Genetics (formerly Invitae), Labcorp
Classification: Pathogenic for Neurofibromatosis, type 1. Last evaluated: 2024-11-22. Review status: criteria provided, single submitter. Criteria: Invitae Variant Classification Sherloc (09022015). Collection method: clinical testing. Allele origin: germline.
Comment: This sequence change creates a premature translational stop signal (p.Gly885Glufs*17) in the NF1 gene. It is expected to result in an absent or disrupted protein product. Loss-of-function variants in NF1 are known to be pathogenic (PMID: 10712197, 23913538). This variant is not present in population databases (gnomAD no frequency). This variant has not been reported in the literature in individuals affected with NF1-related conditions. ClinVar contains an entry for this variant (Variation ID: 1430539). For these reasons, this variant has been classified as Pathogenic.

Literature cited by the submitters: PubMed 10712197; PubMed 23913538.